The following is an entry in ClinVar:

ClinVar aggregate classification (germline): Benign/Likely benign. Review status: criteria provided, multiple submitters, no conflicts (2 of 4 stars). 2 submissions from 2 submitters: Benign (1); Likely benign (1). Last evaluated 2026-01-14.

Conditions:
Methylmalonic acidemia with homocystinuria, type cblX (MAHCX). Also called: INTELLECTUAL DEVELOPMENTAL DISORDER, X-LINKED 3. Identifiers: Orphanet 369962, MedGen C0796208, MONDO:0010657, OMIM 309541.

Allele frequency attached by ClinVar (database versions not stated): gnomAD exomes 0.00011 and 0.00017; ExAC 0.00015; TOPMed 0.00017; gnomAD 0.00018 and 0.00020.
gnomAD v4.1: 149 of 1,205,823 alleles (0.012%); highest among the groups gnomAD compares: Admixed American, 0.024%; no homozygotes.

Submissions (2):

Labcorp Genetics (formerly Invitae), Labcorp
Classification: Benign for Methylmalonic acidemia with homocystinuria, type cblX. Last evaluated: 2026-01-14. Review status: criteria provided, single submitter. Criteria: Invitae Variant Classification Sherloc (09022015). Collection method: clinical testing. Allele origin: germline.

CeGaT Center for Human Genetics Tuebingen
Classification: Likely benign. Last evaluated: 2025-08-01. Review status: criteria provided, single submitter. Criteria: CeGaT Center For Human Genetics Tuebingen Variant Classification Criteria Version 2. Collection method: clinical testing. Allele origin: germline. Affected: yes. Observed: 2 variant alleles.
Comment: HCFC1: BP4, BP7, BS2

NM_005334.3(HCFC1):c.5952C>T (p.Ala1984=)

Gene: HCFC1 (host cell factor C1; minus strand). Cytogenetic location: Xq28.
Variant type: single nucleotide variant.
Coding change: c.5952C>T on transcript NM_005334.3 (MANE Select); coding-DNA position 5952, C replaced by T.
Protein change: p.Ala1984=; no amino-acid change (alanine 1984 retained).
Molecular consequence: synonymous variant.
Genome position (GRCh38, 1-based): chrX:153,950,295, G>A on the plus strand (C>T on the coding strand, the complement: HCFC1 is on the minus strand). VCF-style: chrX-153950295-G-A. GRCh37 (hg19) VCF-style: chrX-153215746-G-A.
Identifiers: ClinVar variation 1647721 (VCV001647721.18), dbSNP rs200345511, ClinGen allele CA10556714.